The following is an entry in ClinVar:

ClinVar aggregate classification (germline): Uncertain significance (1 of 4 stars; one submission).

Submission:

Labcorp Genetics (formerly Invitae), Labcorp
Classification: Uncertain significance. Last evaluated: 2024-06-03. Review status: criteria provided, single submitter. Criteria: Invitae Variant Classification Sherloc (09022015). Collection method: clinical testing. Allele origin: germline.
Comment: This sequence change replaces lysine, which is basic and polar, with glutamine, which is neutral and polar, at codon 1319 of the COL4A1 protein (p.Lys1319Gln). This variant is not present in population databases (gnomAD no frequency). This variant has not been reported in the literature in individuals affected with COL4A1-related conditions. ClinVar contains an entry for this variant (Variation ID: 2183586). An algorithm developed to predict the effect of missense changes on protein structure and function (PolyPhen-2) suggests that this variant is likely to be disruptive. In summary, the available evidence is currently insufficient to determine the role of this variant in disease. Therefore, it has been classified as a Variant of Uncertain Significance.

NM_001845.6(COL4A1):c.3955A>C (p.Lys1319Gln)

Gene: COL4A1 (collagen type IV alpha 1 chain; minus strand). Cytogenetic location: 13q34.
Variant type: single nucleotide variant.
Coding change: c.3955A>C on transcript NM_001845.6 (MANE Select); coding-DNA position 3955, A replaced by C.
Protein change: p.Lys1319Gln; replaces lysine 1319 with glutamine.
Molecular consequence: missense variant.
Genome position (GRCh38, 1-based): chr13:110,166,298, T>G on the plus strand (A>C on the coding strand, the complement: COL4A1 is on the minus strand). VCF-style: chr13-110166298-T-G. GRCh37 (hg19) VCF-style: chr13-110818645-T-G.
Other names: short protein forms K1319Q.
Identifiers: ClinVar variation 2183586 (VCV002183586.4), dbSNP rs2501749884, ClinGen allele CA388660728.